The following is an entry in ClinVar:

NM_020461.4(TUBGCP6):c.4594G>A (p.Ala1532Thr)

Gene: TUBGCP6 (tubulin gamma complex component 6; minus strand). Cytogenetic location: 22q13.33.
Variant type: single nucleotide variant.
Coding change: c.4594G>A on transcript NM_020461.4 (MANE Select); coding-DNA position 4594, G replaced by A.
Protein change: p.Ala1532Thr; replaces alanine 1532 with threonine.
Molecular consequence: missense variant.
Genome position (GRCh38, 1-based): chr22:50,219,100, C>T on the plus strand (G>A on the coding strand, the complement: TUBGCP6 is on the minus strand). VCF-style: chr22-50219100-C-T. GRCh37 (hg19) VCF-style: chr22-50657529-C-T.
Other names: short protein forms A1532T.
Identifiers: ClinVar variation 1471122 (VCV001471122.6), dbSNP rs753827094, ClinGen allele CA10307437.

ClinVar aggregate classification (germline): Uncertain significance. Review status: criteria provided, multiple submitters, no conflicts (2 of 4 stars). 2 submissions from 2 submitters: Uncertain significance (2). Last evaluated 2025-03-31.

Allele frequency attached by ClinVar (database versions not stated): gnomAD 0.00004 and 0.00003; gnomAD exomes 0.00002 and 0.00003; TOPMed 0.00003; ExAC 0.00004.
gnomAD v4.1: 36 of 1,612,634 alleles (0.0022%); highest among the groups gnomAD compares: Middle Eastern, 0.017%; no homozygotes.

Submissions (2):

Labcorp Genetics (formerly Invitae), Labcorp
Classification: Uncertain significance. Last evaluated: 2025-03-31. Review status: criteria provided, single submitter. Criteria: Invitae Variant Classification Sherloc (09022015). Collection method: clinical testing. Allele origin: germline.
Comment: This sequence change replaces alanine, which is neutral and non-polar, with threonine, which is neutral and polar, at codon 1532 of the TUBGCP6 protein (p.Ala1532Thr). This variant is present in population databases (rs753827094, gnomAD 0.01%). This variant has not been reported in the literature in individuals affected with TUBGCP6-related conditions. ClinVar contains an entry for this variant (Variation ID: 1471122). An algorithm developed to predict the effect of missense changes on protein structure and function (PolyPhen-2) suggests that this variant is likely to be disruptive. In summary, the available evidence is currently insufficient to determine the role of this variant in disease. Therefore, it has been classified as a Variant of Uncertain Significance.

Blueprint Genetics
Classification: Uncertain significance. Last evaluated: 2024-08-01. Review status: criteria provided, single submitter. Criteria: ACMG Guidelines, 2015. Collection method: clinical testing. Allele origin: germline.